The following is an entry in ClinVar:

ClinVar aggregate classification (germline): Pathogenic. Review status: criteria provided, multiple submitters, no conflicts (2 of 4 stars). 2 submissions from 2 submitters: Pathogenic (2). Last evaluated 2023-07-19.

Conditions:
COL2A1-related disorder. Also called: COL2A1-related condition; COL2A1-related disorders.

Submissions (2):

Labcorp Genetics (formerly Invitae), Labcorp
Classification: Pathogenic. Last evaluated: 2023-07-19. Review status: criteria provided, single submitter. Criteria: Invitae Variant Classification Sherloc (09022015). Collection method: clinical testing. Allele origin: germline.
Comment: For these reasons, this variant has been classified as Pathogenic. Algorithms developed to predict the effect of sequence changes on RNA splicing suggest that this variant may disrupt the consensus splice site. ClinVar contains an entry for this variant (Variation ID: 1453165). Disruption of this splice site has been observed in individuals with Stickler syndrome (PMID: 27408751; Invitae). This variant is not present in population databases (gnomAD no frequency). This sequence change affects a donor splice site in intron 30 of the COL2A1 gene. It is expected to disrupt RNA splicing. Variants that disrupt the donor or acceptor splice site typically lead to a loss of protein function (PMID: 16199547), and loss-of-function variants in COL2A1 are known to be pathogenic (PMID: 20179744).

Blueprint Genetics
Classification: Pathogenic for COL2A1-related disorders. Last evaluated: 2022-09-29. Review status: criteria provided, single submitter. Criteria: ACMG Guidelines, 2015. Collection method: clinical testing. Allele origin: germline. Affected: yes. Observed: 3 variant alleles.

Literature cited by the submitters: PubMed 27408751 (cited by Labcorp Genetics (formerly Invitae), Labcorp); PubMed 16199547 (cited by Labcorp Genetics (formerly Invitae), Labcorp); PubMed 20179744 (cited by Labcorp Genetics (formerly Invitae), Labcorp).

NM_001844.5(COL2A1):c.1995+1G>A

Gene: COL2A1 (collagen type II alpha 1 chain; minus strand). Cytogenetic location: 12q13.11.
Variant type: single nucleotide variant.
Coding change: c.1995+1G>A on transcript NM_001844.5 (MANE Select); the canonical splice donor site of the intron after coding-DNA position 1995, G replaced by A.
Molecular consequence: splice donor variant.
Genome position (GRCh38, 1-based): chr12:47,983,682, C>T on the plus strand (G>A on the coding strand, the complement: COL2A1 is on the minus strand). VCF-style: chr12-47983682-C-T. GRCh37 (hg19) VCF-style: chr12-48377465-C-T.
Other names: c.1788+1G>A (NM_033150.3).
Identifiers: ClinVar variation 1453165 (VCV001453165.7), dbSNP rs2136556600, ClinGen allele CA384548276.